The following is an entry in ClinVar:

ClinVar aggregate classification (germline): Uncertain significance. Review status: criteria provided, multiple submitters, no conflicts (2 of 4 stars). 2 submissions from 2 submitters: Uncertain significance (2). Last evaluated 2024-08-06.

gnomAD v4.1: 3 of 1,613,788 alleles (0.00019%); highest among the groups gnomAD compares: South Asian, 0.0033%; no homozygotes.

Submissions (2):

Ambry Genetics
Classification: Uncertain significance. Last evaluated: 2024-08-06. Review status: criteria provided, single submitter. Criteria: Ambry Variant Classification Scheme 2023. Collection method: clinical testing. Allele origin: germline.
Comment: The p.L550P variant (also known as c.1649T>C), located in coding exon 11 of the RINT1 gene, results from a T to C substitution at nucleotide position 1649. The leucine at codon 550 is replaced by proline, an amino acid with similar properties. This amino acid position is highly conserved in available vertebrate species. In addition, this alteration is predicted to be deleterious by in silico analysis. The evidence for this gene-disease relationship is limited; therefore, the clinical significance of this alteration is unclear.

Labcorp Genetics (formerly Invitae), Labcorp
Classification: Uncertain significance. Last evaluated: 2022-09-23. Review status: criteria provided, single submitter. Criteria: Invitae Variant Classification Sherloc (09022015). Collection method: clinical testing. Allele origin: germline.
Comment: This variant is not present in population databases (gnomAD no frequency). This sequence change replaces leucine, which is neutral and non-polar, with proline, which is neutral and non-polar, at codon 550 of the RINT1 protein (p.Leu550Pro). This variant has not been reported in the literature in individuals affected with RINT1-related conditions. In summary, the available evidence is currently insufficient to determine the role of this variant in disease. Therefore, it has been classified as a Variant of Uncertain Significance. Algorithms developed to predict the effect of missense changes on protein structure and function are either unavailable or do not agree on the potential impact of this missense change (SIFT: "Deleterious"; PolyPhen-2: "Probably Damaging"; Align-GVGD: "Class C0").

NM_021930.6(RINT1):c.1649T>C (p.Leu550Pro)

Gene: RINT1 (RAD50 interactor 1; plus strand). Cytogenetic location: 7q22.3.
Variant type: single nucleotide variant.
Coding change: c.1649T>C on transcript NM_021930.6 (MANE Select); coding-DNA position 1649, T replaced by C.
Protein change: p.Leu550Pro; replaces leucine 550 with proline.
Molecular consequence: missense variant.
Genome position (GRCh38, 1-based): chr7:105,555,205, T>C. VCF-style: chr7-105555205-T-C. GRCh37 (hg19) VCF-style: chr7-105195652-T-C.
Other names: c.1415T>C, p.Leu472Pro (NM_001346599.2); c.626T>C, p.Leu209Pro (NM_001346600.2, NM_001346603.2); c.725T>C, p.Leu242Pro (NM_001346601.2); short protein forms L550P, L472P, L209P, L242P.
Identifiers: ClinVar variation 1777210 (VCV001777210.8), dbSNP rs2485150321, ClinGen allele CA368811966.